The following is an entry in ClinVar:

NM_005045.4(RELN):c.5150A>G (p.Tyr1717Cys)

Gene: RELN (reelin; minus strand). Cytogenetic location: 7q22.1.
Variant type: single nucleotide variant.
Coding change: c.5150A>G on transcript NM_005045.4 (MANE Select); coding-DNA position 5150, A replaced by G.
Protein change: p.Tyr1717Cys; replaces tyrosine 1717 with cysteine.
Molecular consequence: missense variant.
Genome position (GRCh38, 1-based): chr7:103,565,338, T>C on the plus strand (A>G on the coding strand, the complement: RELN is on the minus strand). VCF-style: chr7-103565338-T-C. GRCh37 (hg19) VCF-style: chr7-103205785-T-C.
Other names: c.5150A>G, p.Tyr1717Cys (NM_173054.3); short protein forms Y1717C.
Identifiers: ClinVar variation 1804454 (VCV001804454.1), dbSNP rs2484740957, ClinGen allele CA368745817.

ClinVar aggregate classification (germline): Uncertain significance (1 of 4 stars; one submission).

Submission:

GeneDx
Classification: Uncertain significance. Last evaluated: 2022-06-13. Review status: criteria provided, single submitter. Criteria: GeneDx Variant Classification Process June 2021. Collection method: clinical testing. Allele origin: germline. Affected: yes.
Comment: Not observed at significant frequency in large population cohorts (gnomAD); In silico analysis supports that this missense variant has a deleterious effect on protein structure/function; Has not been previously published as pathogenic or benign to our knowledge